The following is an entry in ClinVar:

ClinVar aggregate classification (germline): Uncertain significance (1 of 4 stars; one submission).

Conditions:
Spongy degeneration of central nervous system. Also called: ACY2 DEFICIENCY; AMINOACYLASE 2 DEFICIENCY; ASP DEFICIENCY; ASPA DEFICIENCY; ASPARTOACYLASE DEFICIENCY; CANAVAN-VAN BOGAERT-BERTRAND DISEASE. Identifiers: Orphanet 141, MedGen C0206307, MONDO:0010079, OMIM 271900.

gnomAD v4.1: 3 of 1,608,488 alleles (0.00019%); highest among the groups gnomAD compares: East Asian, 0.0067%; no homozygotes.

Submission:

Juno Genomics, Hangzhou Juno Genomics, Inc
Classification: Uncertain significance for Spongy degeneration of central nervous system. Review status: criteria provided, single submitter. Criteria: ACMG Guidelines, 2015. Collection method: clinical testing. Allele origin: germline.
Comment: Absent from controls (or at extremely low frequency if recessive) in Genome Aggregation Database.;Multiple lines of computational evidence support a deleterious effect on the gene or gene product.

NM_000049.4(ASPA):c.536T>C (p.Val179Ala)

Genes: ASPA (aspartoacylase; plus strand), SPATA22 (spermatogenesis associated 22; minus strand). Cytogenetic location: 17p13.2.
Variant type: single nucleotide variant.
Coding change: c.536T>C on transcript NM_000049.4 (MANE Select); coding-DNA position 536, T replaced by C.
Protein change: p.Val179Ala; replaces valine 179 with alanine.
Molecular consequence: missense variant. On other transcripts: intron variant (2).
Genome position (GRCh38, 1-based): chr17:3,489,244, T>C. VCF-style: chr17-3489244-T-C. GRCh37 (hg19) VCF-style: chr17-3392538-T-C.
Other names: c.536T>C, p.Val179Ala (NM_001128085.1); c.-73-19846A>G (NM_001321336.2, NM_001321337.2); short protein forms V179A.
Identifiers: ClinVar variation 5005741 (VCV005005741.2).
Genomic context (GRCh38, chr17:3,489,244, plus strand): 5'-AATATATTTTCATACTTATATAAATGTGACTATCTCTCCTTCTGTACCTAGGTATAGAAG[T>C]TGGTCCTCAGCCTCAAGGGGTTCTGAGAGCTGATATCTTGGATCAAATGAGAAAAATGAT-3'
Protein context (NP_000040.1, residues 169-189): SIAKYPVGIE[Val179Ala]GPQPQGVLRA